The following is an entry in ClinVar:

NM_012268.4(PLD3):c.77T>C (p.Ile26Thr)

Gene: PLD3 (phospholipase D family member 3; plus strand). Cytogenetic location: 19q13.2.
Variant type: single nucleotide variant.
Coding change: c.77T>C on transcript NM_012268.4 (MANE Select); coding-DNA position 77, T replaced by C.
Protein change: p.Ile26Thr; replaces isoleucine 26 with threonine.
Molecular consequence: missense variant.
Genome position (GRCh38, 1-based): chr19:40,366,659, T>C. VCF-style: chr19-40366659-T-C. GRCh37 (hg19) VCF-style: chr19-40872566-T-C.
Other names: c.77T>C, p.Ile26Thr (NM_001031696.4, NM_001291311.2); short protein forms I26T.
Identifiers: ClinVar variation 1897729 (VCV001897729.5), dbSNP rs758630487, ClinGen allele CA9442567.

ClinVar aggregate classification (germline): Uncertain significance (1 of 4 stars; one submission).

Allele frequency attached by ClinVar (database versions not stated): gnomAD exomes below 0.00001; ExAC 0.00001; gnomAD 0.00001.
gnomAD v4.1: 12 of 1,598,266 alleles (0.00075%); highest among the groups gnomAD compares: African/African-American, 0.008%; no homozygotes.

Submission:

Labcorp Genetics (formerly Invitae), Labcorp
Classification: Uncertain significance. Last evaluated: 2025-07-14. Review status: criteria provided, single submitter. Criteria: Invitae Variant Classification Sherloc (09022015). Collection method: clinical testing. Allele origin: germline.
Comment: This sequence change replaces isoleucine, which is neutral and non-polar, with threonine, which is neutral and polar, at codon 26 of the PLD3 protein (p.Ile26Thr). This variant is present in population databases (rs758630487, gnomAD 0.0009%). This variant has not been reported in the literature in individuals affected with PLD3-related conditions. ClinVar contains an entry for this variant (Variation ID: 1897729). An algorithm developed to predict the effect of missense changes on protein structure and function (PolyPhen-2) suggests that this variant is likely to be tolerated. In summary, the available evidence is currently insufficient to determine the role of this variant in disease. Therefore, it has been classified as a Variant of Uncertain Significance.